The following is an entry in ClinVar:

NM_003079.5(SMARCE1):c.1170G>T (p.Glu390Asp)

Gene: SMARCE1 (SWI/SNF related BAF chromatin remodeling complex subunit E1; minus strand). Cytogenetic location: 17q21.2.
Variant type: single nucleotide variant.
Coding change: c.1170G>T on transcript NM_003079.5 (MANE Select); coding-DNA position 1170, G replaced by T.
Protein change: p.Glu390Asp; replaces glutamic acid 390 with aspartic acid.
Molecular consequence: missense variant.
Genome position (GRCh38, 1-based): chr17:40,628,851, C>A on the plus strand (G>T on the coding strand, the complement: SMARCE1 is on the minus strand). VCF-style: chr17-40628851-C-A. GRCh37 (hg19) VCF-style: chr17-38785103-C-A.
Other names: short protein forms E390D.
Identifiers: ClinVar variation 857697 (VCV000857697.10), dbSNP rs2037060934, ClinGen allele CA399361030.

ClinVar aggregate classification (germline): Conflicting classifications of pathogenicity. Review status: criteria provided, conflicting classifications (1 of 4 stars). 2 submissions from 2 submitters: Uncertain significance (1); Likely benign (1). Last evaluated 2023-11-24.

Conditions:
Hereditary cancer-predisposing syndrome. Also called: Tumor predisposition; Hereditary neoplastic syndrome; Neoplastic Syndromes, Hereditary; Hereditary Cancer Syndrome. Identifiers: Orphanet 140162, MedGen C0027672, MeSH D009386, MONDO:0015356.
Familial meningioma. Also called: Meningioma, familial, susceptibility to. Identifiers: Orphanet 263662, MedGen C3551915, MONDO:0011789, OMIM 607174.

Allele frequency attached by ClinVar (database versions not stated): gnomAD exomes 0.00001.
gnomAD v4.1: 7 of 1,613,852 alleles (0.00043%); highest among the groups gnomAD compares: Non-Finnish European, 0.00059%; no homozygotes.

Submissions (2):

Labcorp Genetics (formerly Invitae), Labcorp
Classification: Uncertain significance for Familial meningioma. Last evaluated: 2023-11-24. Review status: criteria provided, single submitter. Criteria: Invitae Variant Classification Sherloc (09022015). Collection method: clinical testing. Allele origin: germline.
Comment: This sequence change replaces glutamic acid, which is acidic and polar, with aspartic acid, which is acidic and polar, at codon 390 of the SMARCE1 protein (p.Glu390Asp). This variant is not present in population databases (gnomAD no frequency). This variant has not been reported in the literature in individuals affected with SMARCE1-related conditions. ClinVar contains an entry for this variant (Variation ID: 857697). An algorithm developed to predict the effect of missense changes on protein structure and function (PolyPhen-2) suggests that this variant is likely to be disruptive. In summary, the available evidence is currently insufficient to determine the role of this variant in disease. Therefore, it has been classified as a Variant of Uncertain Significance.

Ambry Genetics
Classification: Likely benign for Hereditary cancer-predisposing syndrome. Last evaluated: 2023-03-31. Review status: criteria provided, single submitter. Criteria: Ambry Variant Classification Scheme 2023. Collection method: clinical testing. Allele origin: germline.